The following is an entry in ClinVar:

ClinVar aggregate classification (germline): Pathogenic/Likely pathogenic. Review status: criteria provided, multiple submitters, no conflicts (2 of 4 stars). 2 submissions from 2 submitters: Pathogenic (1); Likely pathogenic (1). Last evaluated 2023-01-23.

Submissions (2):

GeneDx
Classification: Pathogenic. Last evaluated: 2023-01-23. Review status: criteria provided, single submitter. Criteria: GeneDx Variant Classification Process June 2021. Collection method: clinical testing. Allele origin: germline. Affected: yes.
Comment: Not observed at significant frequency in large population cohorts (gnomAD); Has not been previously published as pathogenic or benign to our knowledge; Frameshift variant predicted to result in protein truncation or nonsense mediated decay in a gene for which loss of function is a known mechanism of disease.

Revvity Omics, Revvity
Classification: Likely pathogenic. Last evaluated: 2022-05-06. Review status: criteria provided, single submitter. Criteria: ACMG Guidelines, 2015. Collection method: clinical testing. Allele origin: germline.

NM_003126.4(SPTA1):c.4106dup (p.Leu1370fs)

Gene: SPTA1 (spectrin alpha, erythrocytic 1; minus strand). Cytogenetic location: 1q23.1.
Variant type: Duplication.
Coding change: c.4106dup on transcript NM_003126.4 (MANE Select); coding-DNA position 4106, one base duplicated (A; older notation c.4106dupA).
Protein change: p.Leu1370fs; shifts the reading frame from leucine 1370.
Molecular consequence: frameshift variant.
Genome position (GRCh38, 1-based): chr1:158,645,276, T duplicated on the plus strand (A on the coding strand, the reverse complement: SPTA1 is on the minus strand); the first of 7 consecutive T bases (chr1:158,645,276-158,645,282); duplicating any one gives the same sequence. VCF-style (leftmost placement, unchanged base first): chr1-158645275-C-CT. GRCh37 (hg19) VCF-style: chr1-158615065-C-CT.
Other names: short protein forms L1370fs.
Identifiers: ClinVar variation 2203768 (VCV002203768.24), dbSNP rs1161647781, ClinGen allele CA526676135.
Genomic context (GRCh38, chr1:158,645,275, plus strand): 5'-CTTCTTGCGTTTTTCCCAAGCCTTCTCCAAATCATCTCTCTCTAGCTTGACAGCTTGAAG[C>CT]TTTTTTTCAATTTCAGGGCTAGCATGGTGCCCACTGTCGATAAGTTCTGCACTGAAGTCC-3'